The following is an entry in ClinVar:

ClinVar aggregate classification (germline): Uncertain significance. Review status: criteria provided, multiple submitters, no conflicts (2 of 4 stars). 2 submissions from 2 submitters: Uncertain significance (2). Last evaluated 2024-05-02.

Conditions:
Hereditary cancer-predisposing syndrome. Also called: Hereditary neoplastic syndrome; Neoplastic Syndromes, Hereditary; Tumor predisposition; Hereditary Cancer Syndrome. Identifiers: Orphanet 140162, MedGen C0027672, MeSH D009386, MONDO:0015356.
Fanconi anemia complementation group J. Also called: BRIP1-Related Fanconi Anemia. Identifiers: Orphanet 84, MedGen C1836860, MONDO:0012187, OMIM 609054.
Familial cancer of breast. Also called: BREAST CANCER, FAMILIAL; Hereditary breast cancer; hereditary breast carcinoma. Identifiers: Orphanet 227535, MedGen C0346153, MONDO:0016419, OMIM 114480. Disease mechanism: loss of function.

Allele frequency attached by ClinVar (database versions not stated): ExAC 0.00001; gnomAD exomes 0.00001.
gnomAD v4.1: 9 of 1,614,150 alleles (0.00056%); highest among the groups gnomAD compares: Non-Finnish European, 0.00076%; no homozygotes.

Submissions (2):

Ambry Genetics
Classification: Uncertain significance for Hereditary cancer-predisposing syndrome. Last evaluated: 2024-05-02. Review status: criteria provided, single submitter. Criteria: Ambry Variant Classification Scheme 2023. Collection method: clinical testing. Allele origin: germline.
Comment: The p.T1062I variant (also known as c.3185C>T), located in coding exon 19 of the BRIP1 gene, results from a C to T substitution at nucleotide position 3185. The threonine at codon 1062 is replaced by isoleucine, an amino acid with similar properties. This amino acid position is not well conserved in available vertebrate species. In addition, this alteration is predicted to be tolerated by in silico analysis. Since supporting evidence is limited at this time, the clinical significance of this alteration remains unclear.

Labcorp Genetics (formerly Invitae), Labcorp
Classification: Uncertain significance for Familial cancer of breast; Fanconi anemia complementation group J. Last evaluated: 2023-07-11. Review status: criteria provided, single submitter. Criteria: Invitae Variant Classification Sherloc (09022015). Collection method: clinical testing. Allele origin: germline.
Comment: In summary, the available evidence is currently insufficient to determine the role of this variant in disease. Therefore, it has been classified as a Variant of Uncertain Significance. Algorithms developed to predict the effect of missense changes on protein structure and function output the following: SIFT: "Not Available"; PolyPhen-2: "Benign"; Align-GVGD: "Not Available". The isoleucine amino acid residue is found in multiple mammalian species, which suggests that this missense change does not adversely affect protein function. ClinVar contains an entry for this variant (Variation ID: 485454). This variant has not been reported in the literature in individuals affected with BRIP1-related conditions. This variant is not present in population databases (gnomAD no frequency). This sequence change replaces threonine, which is neutral and polar, with isoleucine, which is neutral and non-polar, at codon 1062 of the BRIP1 protein (p.Thr1062Ile).

NM_032043.3(BRIP1):c.3185C>T (p.Thr1062Ile)

Gene: BRIP1 (BRCA1 interacting DNA helicase 1; minus strand). Cytogenetic location: 17q23.2.
Variant type: single nucleotide variant.
Coding change: c.3185C>T on transcript NM_032043.3 (MANE Select); coding-DNA position 3185, C replaced by T.
Protein change: p.Thr1062Ile; replaces threonine 1062 with isoleucine.
Molecular consequence: missense variant.
Genome position (GRCh38, 1-based): chr17:61,683,861, G>A on the plus strand (C>T on the coding strand, the complement: BRIP1 is on the minus strand). VCF-style: chr17-61683861-G-A. GRCh37 (hg19) VCF-style: chr17-59761222-G-A.
Other names: short protein forms T1062I.
Identifiers: ClinVar variation 485454 (VCV000485454.14), dbSNP rs770517912, ClinGen allele CA8690390.